The following is an entry in ClinVar:

ClinVar aggregate classification (germline): Uncertain significance (1 of 4 stars; one submission).

Conditions:
EIF4G1-related disorder. Also called: EIF4G1-related condition.

Submission:

PreventionGenetics, part of Exact Sciences
Classification: Uncertain significance for EIF4G1-related condition. Last evaluated: 2026-02-18. Review status: criteria provided, single submitter. Criteria: ACMG Guidelines, 2015. Collection method: clinical testing. Allele origin: germline.
Comment: The EIF4G1 c.1386_1388delAGA variant is predicted to result in an in-frame deletion (p.Glu465del). This variant has been reported in an individual with a Parkinson disease phenotype (Table 1, Lesage et al. 2012. PubMed ID: 22658323). This variant is reported in 0.091% of alleles in individuals of East Asian descent in gnomAD. At this time, the clinical significance of this variant is uncertain due to the absence of conclusive functional and genetic evidence.

NM_198241.3(EIF4G1):c.1374AGA[4] (p.Glu465del)

Gene: EIF4G1 (eukaryotic translation initiation factor 4 gamma 1; plus strand). Cytogenetic location: 3q27.1.
Variant type: Microsatellite.
Coding change: c.1374AGA[4] on transcript NM_198241.3 (MANE Select); four copies in a row of the 3-base unit AGA starting at c.1374; the reference has five copies in a row; one copy, 3 bases deleted.
Protein change: p.Glu465del; deletes glutamic acid 465.
Molecular consequence: inframe deletion.
Genome position (GRCh38, 1-based): chr3:184,321,970-184,321,972, AGA deleted; deleting any 3 consecutive bases within chr3:184,321,956-184,321,972 gives the same sequence; the position shown is the placement nearest the transcript's 3' end. VCF-style (leftmost placement, unchanged base first): chr3-184321955-GGAA-G. GRCh37 (hg19) VCF-style: chr3-184039743-GGAA-G.
Other names: c.1395AGA[4], p.Glu472del (NM_001194946.2, NM_001194947.2); c.1254AGA[4], p.Glu425del (NM_001291157.2); c.786AGA[4], p.Glu269del (NM_004953.5); c.1374AGA[4], p.Glu465del (NM_182917.4); c.882AGA[4], p.Glu301del (NM_198242.3); c.1113AGA[4], p.Glu378del (NM_198244.3); short protein forms E301del, E378del, E472del, E465del, E269del, E425del.
Identifiers: ClinVar variation 4981635 (VCV004981635.1).